The following is an entry in ClinVar:

ClinVar aggregate classification (germline): Likely benign (1 of 4 stars; one submission).

gnomAD v4.1: 2 of 1,611,610 alleles (0.00012%); highest among the groups gnomAD compares: Non-Finnish European, 0.000085%; no homozygotes.

Submission:

CeGaT Center for Human Genetics Tuebingen
Classification: Likely benign. Last evaluated: 2025-10-01. Review status: criteria provided, single submitter. Criteria: CeGaT Center For Human Genetics Tuebingen Variant Classification Criteria Version 2. Collection method: clinical testing. Allele origin: germline. Affected: yes. Observed: 1 variant allele.
Comment: ASCC3: BP4, BP7

NM_006828.4(ASCC3):c.4929T>C (p.Leu1643=)

Gene: ASCC3 (activating signal cointegrator 1 complex subunit 3; minus strand). Cytogenetic location: 6q16.3.
Variant type: single nucleotide variant.
Coding change: c.4929T>C on transcript NM_006828.4 (MANE Select); coding-DNA position 4929, T replaced by C.
Protein change: p.Leu1643=; no amino-acid change (leucine 1643 retained).
Molecular consequence: synonymous variant.
Genome position (GRCh38, 1-based): chr6:100,606,855, A>G on the plus strand (T>C on the coding strand, the complement: ASCC3 is on the minus strand). VCF-style: chr6-100606855-A-G. GRCh37 (hg19) VCF-style: chr6-101054731-A-G.
Identifiers: ClinVar variation 4535072 (VCV004535072.6).
Genomic context (GRCh38, chr6:100,606,855, plus strand): 5'-CTTAATAATTACTAAATGAGCTGGAAAGTTTACACCCCAGGCTAATGTGCTTGTAGCAAT[A>G]AGAACCTAAAAAGCAAAATAAAATATCTTATATCTAAGTAAAATATAACTTTTAAGTTAC-3'
Protein context (NP_006819.2, residues 1633-1653): ELFVNCKVQV[Leu1643=]IATSTLAWGV